The following is an entry in ClinVar:

ClinVar aggregate classification (germline): Uncertain significance (1 of 4 stars; one submission).

Conditions:
Hereditary cancer-predisposing syndrome. Also called: Neoplastic Syndromes, Hereditary; Tumor predisposition; Hereditary Cancer Syndrome; Hereditary neoplastic syndrome. Identifiers: Orphanet 140162, MedGen C0027672, MeSH D009386, MONDO:0015356.

Submission:

Ambry Genetics
Classification: Uncertain significance for Hereditary cancer-predisposing syndrome. Last evaluated: 2025-10-12. Review status: criteria provided, single submitter. Criteria: Ambry Variant Classification Scheme 2023. Collection method: clinical testing. Allele origin: germline.
Comment: The p.E1012G variant (also known as c.3035A>G), located in coding exon 4 of the MSH6 gene, results from an A to G substitution at nucleotide position 3035. The glutamic acid at codon 1012 is replaced by glycine, an amino acid with similar properties. This amino acid position is conserved. In addition, this alteration is predicted to be deleterious by in silico analysis. Based on the available evidence, the clinical significance of this variant remains unclear.

NM_000179.3(MSH6):c.3035A>G (p.Glu1012Gly)

Gene: MSH6 (mutS homolog 6; plus strand). Cytogenetic location: 2p16.3.
Variant type: single nucleotide variant.
Coding change: c.3035A>G on transcript NM_000179.3 (MANE Select); coding-DNA position 3035, A replaced by G.
Protein change: p.Glu1012Gly; replaces glutamic acid 1012 with glycine.
Molecular consequence: missense variant. On other transcripts: non-coding transcript variant (5), intron variant (2).
Genome position (GRCh38, 1-based): chr2:47,801,018, A>G. VCF-style: chr2-47801018-A-G. GRCh37 (hg19) VCF-style: chr2-48028157-A-G.
Other names: c.2645A>G, p.Glu882Gly (NM_001281492.2); c.2129A>G, p.Glu710Gly (NM_001281493.2, NM_001281494.2, NM_001406811.1 and 6 more transcripts); c.3131A>G, p.Glu1044Gly (NM_001406795.1, NM_001406802.1); c.3035A>G, p.Glu1012Gly (NM_001406796.1, NM_001406798.1, NM_001406800.1 and 2 more transcripts); c.2738A>G, p.Glu913Gly (NM_001406797.1, NM_001406801.1, NM_001406805.1 and 10 more transcripts); c.2510A>G, p.Glu837Gly (NM_001406799.1, NM_001406806.1, NM_001406807.1); c.2957A>G, p.Glu986Gly (NM_001406804.1); c.3041A>G, p.Glu1014Gly (NM_001406813.1); and 4 more; short protein forms E1014G, E710G, E913G, E1012G, E327G, E1044G, E837G, E882G.
Identifiers: ClinVar variation 4657701 (VCV004657701.1).